The following is an entry in ClinVar:

NM_147127.5(EVC2):c.2686G>A (p.Val896Met)

Gene: EVC2 (EvC ciliary complex subunit 2; minus strand). Cytogenetic location: 4p16.2.
Variant type: single nucleotide variant.
Coding change: c.2686G>A on transcript NM_147127.5 (MANE Select); coding-DNA position 2686, G replaced by A.
Protein change: p.Val896Met; replaces valine 896 with methionine.
Molecular consequence: missense variant.
Genome position (GRCh38, 1-based): chr4:5,618,498, C>T on the plus strand (G>A on the coding strand, the complement: EVC2 is on the minus strand). VCF-style: chr4-5618498-C-T. GRCh37 (hg19) VCF-style: chr4-5620225-C-T.
Other names: c.2446G>A, p.Val816Met (NM_001166136.2); short protein forms V896M, V816M.
Identifiers: ClinVar variation 2200130 (VCV002200130.1), dbSNP rs761177898, ClinGen allele CA2834628.

ClinVar aggregate classification (germline): Uncertain significance (1 of 4 stars; one submission).

Conditions:
Curry-Hall syndrome (WAD). Also called: WEYERS ACRODENTAL DYSOSTOSIS. Identifiers: Orphanet 952, MedGen C0457013, MONDO:0008673, OMIM 193530.
Ellis-van Creveld syndrome (EVC). Also called: MESOECTODERMAL DYSPLASIA; EVC-Related Ellis-van Creveld Syndrome; EVC2-Related Ellis-van Creveld Syndrome; Chondroectodermal dysplasia. Identifiers: Orphanet 289, MedGen C0013903, MONDO:0009162, OMIM 225500.

Allele frequency attached by ClinVar (database versions not stated): ExAC 0.00002; gnomAD 0.00002; gnomAD exomes 0.00002; TOPMed 0.00002.
gnomAD v4.1: 32 of 1,613,186 alleles (0.002%); highest among the groups gnomAD compares: Middle Eastern, 0.037%; no homozygotes.

Submission:

Labcorp Genetics (formerly Invitae), Labcorp
Classification: Uncertain significance for Curry-Hall syndrome; Ellis-van Creveld syndrome. Last evaluated: 2022-10-01. Review status: criteria provided, single submitter. Criteria: Invitae Variant Classification Sherloc (09022015). Collection method: clinical testing. Allele origin: germline.
Comment: This sequence change replaces valine, which is neutral and non-polar, with methionine, which is neutral and non-polar, at codon 896 of the EVC2 protein (p.Val896Met). This variant is present in population databases (rs761177898, gnomAD 0.004%). This variant has not been reported in the literature in individuals affected with EVC2-related conditions. Algorithms developed to predict the effect of missense changes on protein structure and function output the following: SIFT: "Tolerated"; PolyPhen-2: "Benign"; Align-GVGD: "Class C0". The methionine amino acid residue is found in multiple mammalian species, which suggests that this missense change does not adversely affect protein function. In summary, the available evidence is currently insufficient to determine the role of this variant in disease. Therefore, it has been classified as a Variant of Uncertain Significance.